The following is an entry in ClinVar:

ClinVar aggregate classification (germline): Uncertain significance. Review status: criteria provided, multiple submitters, no conflicts (2 of 4 stars). 2 submissions from 2 submitters: Uncertain significance (2). Last evaluated 2025-10-16.

Conditions:
3-methylglutaconic aciduria, type VIIB (MGCA7B). Also called: 3-methylglutaconic aciduria, type VII, with cataracts, neurologic involvement and neutropenia; CLPB Deficiency; 3-methylglutaconic aciduria with cataracts, neurologic involvement and neutropenia. Identifiers: Orphanet 445038, MedGen C5676893, MONDO:0014561, OMIM 616271.

gnomAD v4.1: 8 of 1,613,928 alleles (0.0005%); highest among the groups gnomAD compares: Middle Eastern, 0.033%; no homozygotes.

Submissions (2):

Dasa
Classification: Uncertain significance. Last evaluated: 2025-10-16. Review status: criteria provided, single submitter. Criteria: DASA Assertion Criteria. Collection method: clinical testing. Allele origin: germline.
Comment: NM_001258392.3(CLPB):c.830G>A (p.Arg277Gln) is a missense variant that results in the substitution of arginine with glutamine. This variant is rare in population databases. Computational prediction algorithms are consistent with a benign effect. The currently available literature and clinical evidence are not sufficient to establish a definitive association between this variant and the reported condition. Therefore, this variant is classified as a variant of uncertain significance.

Labcorp Genetics (formerly Invitae), Labcorp
Classification: Uncertain significance for 3-methylglutaconic aciduria, type VIIB. Last evaluated: 2024-05-11. Review status: criteria provided, single submitter. Criteria: Invitae Variant Classification Sherloc (09022015). Collection method: clinical testing. Allele origin: germline.
Comment: This sequence change replaces arginine, which is basic and polar, with glutamine, which is neutral and polar, at codon 307 of the CLPB protein (p.Arg307Gln). This variant is present in population databases (rs377401155, gnomAD 0.3%). This variant has not been reported in the literature in individuals affected with CLPB-related conditions. An algorithm developed to predict the effect of missense changes on protein structure and function (PolyPhen-2) suggests that this variant is likely to be tolerated. In summary, the available evidence is currently insufficient to determine the role of this variant in disease. Therefore, it has been classified as a Variant of Uncertain Significance.

NM_001258392.3(CLPB):c.830G>A (p.Arg277Gln)

Gene: CLPB (ClpB family mitochondrial disaggregase; minus strand). Cytogenetic location: 11q13.4.
Variant type: single nucleotide variant.
Coding change: c.830G>A on transcript NM_001258392.3 (MANE Select); coding-DNA position 830, G replaced by A.
Protein change: p.Arg277Gln; replaces arginine 277 with glutamine.
Molecular consequence: missense variant.
Genome position (GRCh38, 1-based): chr11:72,329,750, C>T on the plus strand (G>A on the coding strand, the complement: CLPB is on the minus strand). VCF-style: chr11-72329750-C-T. GRCh37 (hg19) VCF-style: chr11-72040794-C-T.
Other names: c.743G>A, p.Arg248Gln (NM_001258393.3); c.785G>A, p.Arg262Gln (NM_001258394.3); c.920G>A, p.Arg307Gln (NM_030813.6); short protein forms R248Q, R262Q, R277Q, R307Q.
Identifiers: ClinVar variation 3625111 (VCV003625111.4).